The following is an entry in ClinVar:

ClinVar aggregate classification (germline): Likely benign (0 of 4 stars; one submission).

Conditions:
FRMD4A-related disorder. Also called: FRMD4A-related condition.

Allele frequency attached by ClinVar (database versions not stated): ExAC 0.00006; gnomAD 0.00015; 1000 Genomes Project 30x 0.00016; 1000 Genomes Project 0.00020; TOPMed 0.00026.
gnomAD v4.1: 52 of 1,300,038 alleles (0.004%); highest among the groups gnomAD compares: East Asian, 0.095%; no homozygotes.

Submission:

PreventionGenetics, part of Exact Sciences
Classification: Likely benign for FRMD4A-related condition. Last evaluated: 2019-02-26. Review status: no assertion criteria provided. Collection method: clinical testing. Allele origin: germline.
Comment: This variant is classified as likely benign based on ACMG/AMP sequence variant interpretation guidelines (Richards et al. 2015 PMID: 25741868, with internal and published modifications).

NM_018027.5(FRMD4A):c.46-149138G>A

Gene: FRMD4A (FERM domain containing 4A; minus strand). Cytogenetic location: 10p13.
Variant type: single nucleotide variant.
Coding change: c.46-149138G>A on transcript NM_018027.5 (MANE Select); 149138 bases into the intron before coding-DNA position 46, G replaced by A.
Molecular consequence: intron variant.
Genome position (GRCh38, 1-based): chr10:14,008,050, C>T on the plus strand (G>A on the coding strand, the complement: FRMD4A is on the minus strand). VCF-style: chr10-14008050-C-T. GRCh37 (hg19) VCF-style: chr10-14050049-C-T.
Other names: c.93+10G>A (NM_001318336.2).
Identifiers: ClinVar variation 3058066 (VCV003058066.2), dbSNP rs376698792, ClinGen allele CA5414932.